The following is an entry in ClinVar:

NM_001184.4(ATR):c.7622G>A (p.Arg2541Lys)

Gene: ATR (ATR checkpoint kinase; minus strand). Cytogenetic location: 3q23.
Variant type: single nucleotide variant.
Coding change: c.7622G>A on transcript NM_001184.4 (MANE Select); coding-DNA position 7622, G replaced by A.
Protein change: p.Arg2541Lys; replaces arginine 2541 with lysine.
Molecular consequence: missense variant.
Genome position (GRCh38, 1-based): chr3:142,457,637, C>T on the plus strand (G>A on the coding strand, the complement: ATR is on the minus strand). VCF-style: chr3-142457637-C-T. GRCh37 (hg19) VCF-style: chr3-142176479-C-T.
Other names: c.7430G>A, p.Arg2477Lys (NM_001354579.2); short protein forms R2477K, R2541K.
Identifiers: ClinVar variation 1759854 (VCV001759854.2), dbSNP rs2108257457, ClinGen allele CA354794804.

ClinVar aggregate classification (germline): Uncertain significance (1 of 4 stars; one submission).

Conditions:
Inborn genetic diseases. Identifiers: MedGen C0950123, MeSH D030342.

Allele frequency attached by ClinVar (database versions not stated): gnomAD exomes below 0.00001.
gnomAD v4.1: 1 of 1,614,024 alleles (0.000062%); highest among the groups gnomAD compares: South Asian, 0.0011%; no homozygotes.

Submission:

Ambry Genetics
Classification: Uncertain significance for Inborn genetic diseases. Last evaluated: 2022-07-29. Review status: criteria provided, single submitter. Criteria: Ambry Variant Classification Scheme 2023. Collection method: clinical testing. Allele origin: germline.
Comment: The p.R2541K variant (also known as c.7622G>A), located in coding exon 45 of the ATR gene, results from a G to A substitution at nucleotide position 7622. The arginine at codon 2541 is replaced by lysine, an amino acid with highly similar properties. This amino acid position is conserved. In addition, the in silico prediction for this alteration is inconclusive. Since supporting evidence is limited at this time, the clinical significance of this alteration remains unclear.